The following is an entry in ClinVar:

NM_001401501.2(MUC16):c.11238T>G (p.Pro3746=)

Gene: MUC16 (mucin 16, cell surface associated; minus strand). Cytogenetic location: 19p13.2.
Variant type: single nucleotide variant.
Coding change: c.11238T>G on transcript NM_001401501.2 (MANE Select); coding-DNA position 11238, T replaced by G.
Protein change: p.Pro3746=; no amino-acid change (proline 3746 retained).
Molecular consequence: synonymous variant.
Genome position (GRCh38, 1-based): chr19:8,965,652, A>C on the plus strand (T>G on the coding strand, the complement: MUC16 is on the minus strand). VCF-style: chr19-8965652-A-C. GRCh37 (hg19) VCF-style: chr19-9076328-A-C.
Other names: c.11664T>G, p.Pro3888= (NM_001414686.1); c.11118T>G, p.Pro3706= (NM_001414687.1, NM_024690.2).
Identifiers: ClinVar variation 3030699 (VCV003030699.2), dbSNP rs775071955, ClinGen allele CA9171315.

ClinVar aggregate classification (germline): Likely benign (0 of 4 stars; one submission).

Conditions:
MUC16-related disorder. Also called: MUC16-related condition.

Allele frequency attached by ClinVar (database versions not stated): gnomAD exomes below 0.00001; ExAC 0.00001.

Submission:

PreventionGenetics, part of Exact Sciences
Classification: Likely benign for MUC16-related condition. Last evaluated: 2022-01-05. Review status: no assertion criteria provided. Collection method: clinical testing. Allele origin: germline.
Comment: This variant is classified as likely benign based on ACMG/AMP sequence variant interpretation guidelines (Richards et al. 2015 PMID: 25741868, with internal and published modifications).